The following is an entry in ClinVar:

NM_003136.4(SRP54):c.880C>A (p.Leu294Ile)

Gene: SRP54 (signal recognition particle 54; plus strand). Cytogenetic location: 14q13.2.
Variant type: single nucleotide variant.
Coding change: c.880C>A on transcript NM_003136.4 (MANE Select); coding-DNA position 880, C replaced by A.
Protein change: p.Leu294Ile; replaces leucine 294 with isoleucine.
Molecular consequence: missense variant.
Genome position (GRCh38, 1-based): chr14:35,013,896, C>A. VCF-style: chr14-35013896-C-A. GRCh37 (hg19) VCF-style: chr14-35483102-C-A.
Other names: c.733C>A, p.Leu245Ile (NM_001146282.2); c.880C>A, p.Leu294Ile (NM_001411017.1); short protein forms L294I, L245I.
Identifiers: ClinVar variation 2705164 (VCV002705164.3), dbSNP rs2502762651, ClinGen allele CA389444915.

ClinVar aggregate classification (germline): Uncertain significance (1 of 4 stars; one submission).

Submission:

Labcorp Genetics (formerly Invitae), Labcorp
Classification: Uncertain significance. Last evaluated: 2023-12-24. Review status: criteria provided, single submitter. Criteria: Invitae Variant Classification Sherloc (09022015). Collection method: clinical testing. Allele origin: germline.
Comment: This sequence change replaces leucine, which is neutral and non-polar, with isoleucine, which is neutral and non-polar, at codon 294 of the SRP54 protein (p.Leu294Ile). This variant is not present in population databases (gnomAD no frequency). This variant has not been reported in the literature in individuals affected with SRP54-related conditions. Advanced modeling of protein sequence and biophysical properties (such as structural, functional, and spatial information, amino acid conservation, physicochemical variation, residue mobility, and thermodynamic stability) performed at Invitae indicates that this missense variant is not expected to disrupt SRP54 protein function with a negative predictive value of 80%. In summary, the available evidence is currently insufficient to determine the role of this variant in disease. Therefore, it has been classified as a Variant of Uncertain Significance.